The following is an entry in ClinVar:

NM_004655.4(AXIN2):c.318T>A (p.Asp106Glu)

Gene: AXIN2 (axin 2; minus strand). Cytogenetic location: 17q24.1.
Variant type: single nucleotide variant.
Coding change: c.318T>A on transcript NM_004655.4 (MANE Select); coding-DNA position 318, T replaced by A.
Protein change: p.Asp106Glu; replaces aspartic acid 106 with glutamic acid.
Molecular consequence: missense variant.
Genome position (GRCh38, 1-based): chr17:65,558,303, A>T on the plus strand (T>A on the coding strand, the complement: AXIN2 is on the minus strand). VCF-style: chr17-65558303-A-T. GRCh37 (hg19) VCF-style: chr17-63554421-A-T.
Other names: c.318T>A, p.Asp106Glu (NM_001363813.1); short protein forms D106E.
Identifiers: ClinVar variation 2830439 (VCV002830439.3), dbSNP rs2144588079, ClinGen allele CA400681666.

ClinVar aggregate classification (germline): Uncertain significance (1 of 4 stars; one submission).

Conditions:
Oligodontia-cancer predisposition syndrome. Also called: TOOTH AGENESIS-COLORECTAL CANCER SYNDROME. Identifiers: Orphanet 300576, MedGen C1837750, MONDO:0012075, OMIM 608615. Disease mechanism: loss of function.

Submission:

Labcorp Genetics (formerly Invitae), Labcorp
Classification: Uncertain significance for Oligodontia-cancer predisposition syndrome. Last evaluated: 2024-03-06. Review status: criteria provided, single submitter. Criteria: Invitae Variant Classification Sherloc (09022015). Collection method: clinical testing. Allele origin: germline.
Comment: This sequence change replaces aspartic acid, which is acidic and polar, with glutamic acid, which is acidic and polar, at codon 106 of the AXIN2 protein (p.Asp106Glu). This variant is not present in population databases (gnomAD no frequency). This variant has not been reported in the literature in individuals affected with AXIN2-related conditions. Advanced modeling of protein sequence and biophysical properties (such as structural, functional, and spatial information, amino acid conservation, physicochemical variation, residue mobility, and thermodynamic stability) performed at Invitae indicates that this missense variant is expected to disrupt AXIN2 protein function with a positive predictive value of 80%. In summary, the available evidence is currently insufficient to determine the role of this variant in disease. Therefore, it has been classified as a Variant of Uncertain Significance.